The following is an entry in ClinVar:

ClinVar aggregate classification (germline): Uncertain significance. Review status: criteria provided, multiple submitters, no conflicts (2 of 4 stars). 4 submissions from 4 submitters: Uncertain significance (4). Last evaluated 2025-08-27.

Conditions:
Hypermanganesemia with dystonia, polycythemia, and cirrhosis (HMNDYT1). Also called: Hepatic Cirrhosis, Dystonia, Polycythemia and Hypermanganesemia; Cirrhosis - dystonia - polycythemia - hypermanganesemia syndrome; Hypermanganesemia with Dystonia 1. Identifiers: Orphanet 309854, MedGen C2750442, MONDO:0013208, OMIM 613280.

Allele frequency attached by ClinVar (database versions not stated): gnomAD 0.00004 and 0.00005; TOPMed 0.00009; gnomAD exomes 0.00011; ExAC 0.00016; 1000 Genomes Project 0.00020; 1000 Genomes Project 30x 0.00031.
gnomAD v4.1: 60 of 1,614,150 alleles (0.0037%); highest among the groups gnomAD compares: East Asian, 0.12%; no homozygotes.

Submissions (4):

Mayo Clinic Laboratories, Mayo Clinic
Classification: Uncertain significance. Last evaluated: 2025-08-27. Review status: criteria provided, single submitter. Criteria: ACMG Guidelines, 2015. Collection method: clinical testing. Allele origin: germline. Observed: 1 variant allele.
Comment: BP4_moderate

Labcorp Genetics (formerly Invitae), Labcorp
Classification: Uncertain significance. Last evaluated: 2022-09-27. Review status: criteria provided, single submitter. Criteria: Invitae Variant Classification Sherloc (09022015). Collection method: clinical testing. Allele origin: germline.
Comment: This sequence change replaces methionine, which is neutral and non-polar, with valine, which is neutral and non-polar, at codon 226 of the SLC30A10 protein (p.Met226Val). This variant is present in population databases (rs199783843, gnomAD 0.1%). This variant has not been reported in the literature in individuals affected with SLC30A10-related conditions. ClinVar contains an entry for this variant (Variation ID: 295589). Advanced modeling of protein sequence and biophysical properties (such as structural, functional, and spatial information, amino acid conservation, physicochemical variation, residue mobility, and thermodynamic stability) performed at Invitae indicates that this missense variant is not expected to disrupt SLC30A10 protein function. In summary, the available evidence is currently insufficient to determine the role of this variant in disease. Therefore, it has been classified as a Variant of Uncertain Significance.

Eurofins Ntd Llc (ga)
Classification: Uncertain significance. Last evaluated: 2018-01-17. Review status: criteria provided, single submitter. Criteria: EGL Classification Definitions 2015. Collection method: clinical testing. Allele origin: germline. Observed: 1 variant allele, 1 heterozygote.

Illumina Laboratory Services, Illumina
Classification: Uncertain significance for Hypermanganesemia with dystonia, polycythemia, and cirrhosis. Last evaluated: 2018-01-13. Review status: criteria provided, single submitter. Criteria: ICSL Variant Classification Criteria 13 December 2019. Collection method: clinical testing. Allele origin: germline.

NM_018713.3(SLC30A10):c.676A>G (p.Met226Val)

Gene: SLC30A10 (solute carrier family 30 member 10; minus strand). Cytogenetic location: 1q41.
Variant type: single nucleotide variant.
Coding change: c.676A>G on transcript NM_018713.3 (MANE Select); coding-DNA position 676, A replaced by G.
Protein change: p.Met226Val; replaces methionine 226 with valine.
Molecular consequence: missense variant. On other transcripts: non-coding transcript variant (2).
Genome position (GRCh38, 1-based): chr1:219,927,070, T>C on the plus strand (A>G on the coding strand, the complement: SLC30A10 is on the minus strand). VCF-style: chr1-219927070-T-C. GRCh37 (hg19) VCF-style: chr1-220100412-T-C.
Other names: p.Met226Val; c.487A>G, p.Met163Val (NM_001376929.1); short protein forms M226V, M163V.
Identifiers: ClinVar variation 295589 (VCV000295589.11), dbSNP rs199783843, ClinGen allele CA1399263.
Genomic context (GRCh38, chr1:219,927,070, plus strand): 5'-GCCCAAAGTCAATCCTACCTCTGATATTCAGAGCTTCAGACTTTTTCTCTTTTTTCATCA[T>C]GTCTTCTGGCTCATTCTGGGTGTTGAAGGAATCACCTGCATTCAAAGAAGAAACCTTGTG-3'
Protein context (NP_061183.2, residues 216-236): SFNTQNEPED[Met226Val]MKKEKKSEAL